The following is an entry in ClinVar:

NM_001384474.1(LOXHD1):c.3847G>A (p.Glu1283Lys)

Gene: LOXHD1 (lipoxygenase homology PLAT domains 1; minus strand). Cytogenetic location: 18q21.1.
Variant type: single nucleotide variant.
Coding change: c.3847G>A on transcript NM_001384474.1 (MANE Select); coding-DNA position 3847, G replaced by A.
Protein change: p.Glu1283Lys; replaces glutamic acid 1283 with lysine.
Molecular consequence: missense variant.
Genome position (GRCh38, 1-based): chr18:46,541,842, C>T on the plus strand (G>A on the coding strand, the complement: LOXHD1 is on the minus strand). VCF-style: chr18-46541842-C-T. GRCh37 (hg19) VCF-style: chr18-44121805-C-T.
Other names: c.514G>A, p.Glu172Lys (NM_001145472.3); c.226G>A, p.Glu76Lys (NM_001308013.2); c.3847G>A, p.Glu1283Lys (NM_144612.7); short protein forms E1283K, E172K, E76K.
Identifiers: ClinVar variation 326846 (VCV000326846.7), dbSNP rs373541883, ClinGen allele CA8952427.

ClinVar aggregate classification (germline): Uncertain significance. Review status: criteria provided, multiple submitters, no conflicts (2 of 4 stars). 3 submissions from 3 submitters: Uncertain significance (3). Last evaluated 2026-08-28.

Conditions:
LOXHD1-related disorder. Also called: LOXHD1-related condition.
Autosomal recessive nonsyndromic hearing loss 77. Identifiers: Orphanet 90636, MedGen C2746083, MONDO:0013119, OMIM 613079.

Allele frequency attached by ClinVar (database versions not stated): ExAC 0.00004; gnomAD 0.00005 and 0.00006; TOPMed 0.00007; gnomAD exomes 0.00009; ESP Exome Variant Server 0.00022.
gnomAD v4.1: 33 of 1,551,576 alleles (0.0021%); highest among the groups gnomAD compares: East Asian, 0.037%; no homozygotes.

Submissions (3):

PreventionGenetics, part of Exact Sciences
Classification: Uncertain significance for LOXHD1-related condition. Last evaluated: 2026-08-28. Review status: criteria provided, single submitter. Criteria: ACMG Guidelines, 2015. Collection method: clinical testing. Allele origin: germline.
Comment: The LOXHD1 c.3847G>A variant is predicted to result in the amino acid substitution p.Glu1283Lys. To our knowledge, this variant has not been reported in the literature. This variant is reported in 0.12% of alleles in individuals of East Asian descent in gnomAD. Although we suspect that this variant may be benign, at this time, the clinical significance of this variant is uncertain due to the absence of conclusive functional and genetic evidence.

Blueprint Genetics
Classification: Uncertain significance. Last evaluated: 2022-09-27. Review status: criteria provided, single submitter. Criteria: ACMG Guidelines, 2015. Collection method: clinical testing. Allele origin: germline.

Illumina Laboratory Services, Illumina
Classification: Uncertain significance for Autosomal recessive nonsyndromic hearing loss 77. Last evaluated: 2018-01-12. Review status: criteria provided, single submitter. Criteria: ICSL Variant Classification Criteria 13 December 2019. Collection method: clinical testing. Allele origin: germline.